The following is an entry in ClinVar:

ClinVar aggregate classification (germline): Uncertain significance (1 of 4 stars; one submission).

Submission:

Labcorp Genetics (formerly Invitae), Labcorp
Classification: Uncertain significance. Last evaluated: 2022-07-09. Review status: criteria provided, single submitter. Criteria: Invitae Variant Classification Sherloc (09022015). Collection method: clinical testing. Allele origin: germline.
Comment: This sequence change replaces glycine, which is neutral and non-polar, with valine, which is neutral and non-polar, at codon 452 of the ADCY10 protein (p.Gly452Val). This variant is not present in population databases (gnomAD no frequency). This variant has not been reported in the literature in individuals affected with ADCY10-related conditions. Algorithms developed to predict the effect of missense changes on protein structure and function are either unavailable or do not agree on the potential impact of this missense change (SIFT: "Deleterious"; PolyPhen-2: "Probably Damaging"; Align-GVGD: "Class C0"). Algorithms developed to predict the effect of sequence changes on RNA splicing suggest that this variant may disrupt the consensus splice site. In summary, the available evidence is currently insufficient to determine the role of this variant in disease. Therefore, it has been classified as a Variant of Uncertain Significance.

NM_018417.6(ADCY10):c.1355G>T (p.Gly452Val)

Genes: ADCY10 (adenylate cyclase 10; minus strand), DCAF6 (DDB1 and CUL4 associated factor 6; plus strand). Cytogenetic location: 1q24.2.
Variant type: single nucleotide variant.
Coding change: c.1355G>T on transcript NM_018417.6 (MANE Select); coding-DNA position 1355, G replaced by T.
Protein change: p.Gly452Val; replaces glycine 452 with valine.
Molecular consequence: missense variant.
Genome position (GRCh38, 1-based): chr1:167,878,497, C>A on the plus strand (G>T on the coding strand, the complement: ADCY10 is on the minus strand). VCF-style: chr1-167878497-C-A. GRCh37 (hg19) VCF-style: chr1-167847735-C-A.
Other names: c.896G>T, p.Gly299Val (NM_001167749.3); c.1079G>T, p.Gly360Val (NM_001297772.2); short protein forms G360V, G299V, G452V.
Identifiers: ClinVar variation 2130325 (VCV002130325.4), dbSNP rs780195354, ClinGen allele CA343097263.